The following is an entry in ClinVar:

NM_000077.5(CDKN2A):c.296G>T (p.Arg99Leu)

Gene: CDKN2A (cyclin dependent kinase inhibitor 2A; minus strand). Cytogenetic location: 9p21.3.
Variant type: single nucleotide variant.
Coding change: c.296G>T on transcript NM_000077.5; coding-DNA position 296, G replaced by T.
Protein change: p.Arg99Leu; replaces arginine 99 with leucine.
Molecular consequence: missense variant (on NM_000077.6). On other transcripts: synonymous variant (1), 3 prime UTR variant (1).
Genome position (GRCh38, 1-based): chr9:21,971,063, C>A on the plus strand (G>T on the coding strand, the complement: CDKN2A is on the minus strand). VCF-style: chr9-21971063-C-A. GRCh37 (hg19) VCF-style: chr9-21971062-C-A.
Other names: c.296G>T, p.Arg99Leu (NM_000077.6, NM_001195132.2); c.143G>T, p.Arg48Leu (NM_001363763.2); c.339G>T, p.Pro113= (NM_058195.4); c.*219G>T (NM_058197.5); short protein forms R99L, R48L.
Identifiers: ClinVar variation 2867606 (VCV002867606.2), dbSNP rs754806883, ClinGen allele CA5012192.

ClinVar aggregate classification (germline): Uncertain significance. Review status: criteria provided, multiple submitters, no conflicts (2 of 4 stars). 2 submissions from 2 submitters: Uncertain significance (2). Last evaluated 2025-02-10.

Conditions:
Familial melanoma. Also called: Hereditary melanoma; Hereditary cutaneous melanoma. Identifiers: Orphanet 618, MedGen C1512419, MONDO:0018961.
Hereditary cancer-predisposing syndrome. Also called: Neoplastic Syndromes, Hereditary; Tumor predisposition; Hereditary neoplastic syndrome; Hereditary Cancer Syndrome. Identifiers: Orphanet 140162, MedGen C0027672, MeSH D009386, MONDO:0015356.

Submissions (2):

Ambry Genetics
Classification: Uncertain significance for Hereditary cancer-predisposing syndrome. Last evaluated: 2025-02-10. Review status: criteria provided, single submitter. Criteria: Ambry Variant Classification Scheme 2023. Collection method: clinical testing. Allele origin: germline.
Comment: The p.R99L variant (also known as c.296G>T), located in coding exon 2 of the CDKN2A gene, results from a G to T substitution at nucleotide position 296. The arginine at codon 99 is replaced by leucine, an amino acid with dissimilar properties. Of note, this variant is also known as c.339G>T (p.P113P) in the p14(ARF) isoform. This amino acid position is not well conserved in available vertebrate species. In addition, this alteration is predicted to be tolerated by in silico analysis. Based on the available evidence, the clinical significance of this variant remains unclear.

Labcorp Genetics (formerly Invitae), Labcorp
Classification: Uncertain significance for Familial melanoma. Last evaluated: 2023-04-11. Review status: criteria provided, single submitter. Criteria: Invitae Variant Classification Sherloc (09022015). Collection method: clinical testing. Allele origin: germline.
Comment: In summary, the available evidence is currently insufficient to determine the role of this variant in disease. Therefore, it has been classified as a Variant of Uncertain Significance. This variant disrupts the p.Arg99 amino acid residue in CDKN2A (p16INK4a). Other variant(s) that disrupt this residue have been determined to be pathogenic (PMID: 2319082, 19260062, 20340316; Invitae). This suggests that this residue is clinically significant, and that variants that disrupt this residue are likely to be disease-causing. An algorithm developed to predict the effect of missense changes on protein structure and function (PolyPhen-2) suggests that this variant¬† is likely to be tolerated. This variant has not been reported in the literature in individuals affected with CDKN2A (p16INK4a)-related conditions. The frequency data for this variant in the population databases is considered unreliable, as metrics indicate poor data quality at this position in the gnomAD database. This sequence change replaces arginine, which is basic and polar, with leucine, which is neutral and non-polar, at codon 99 of the CDKN2A (p16INK4a) protein (p.Arg99Leu).

Literature cited by the submitters: PubMed 2319082 (cited by Labcorp Genetics (formerly Invitae), Labcorp); PubMed 19260062 (cited by Labcorp Genetics (formerly Invitae), Labcorp); PubMed 20340316 (cited by Labcorp Genetics (formerly Invitae), Labcorp).